The following is an entry in ClinVar:

NM_172364.5(CACNA2D4):c.2316C>G (p.Phe772Leu)

Gene: CACNA2D4 (calcium voltage-gated channel auxiliary subunit alpha2delta 4; minus strand). Cytogenetic location: 12p13.33.
Variant type: single nucleotide variant.
Coding change: c.2316C>G on transcript NM_172364.5 (MANE Select); coding-DNA position 2316, C replaced by G.
Protein change: p.Phe772Leu; replaces phenylalanine 772 with leucine.
Molecular consequence: missense variant.
Genome position (GRCh38, 1-based): chr12:1,846,620, G>C on the plus strand (C>G on the coding strand, the complement: CACNA2D4 is on the minus strand). VCF-style: chr12-1846620-G-C. GRCh37 (hg19) VCF-style: chr12-1955786-G-C.
Other names: short protein forms F772L.
Identifiers: ClinVar variation 3000742 (VCV003000742.3), dbSNP rs11836202, ClinGen allele CA383359343.

ClinVar aggregate classification (germline): Uncertain significance (1 of 4 stars; one submission).

Submission:

Labcorp Genetics (formerly Invitae), Labcorp
Classification: Uncertain significance. Last evaluated: 2022-11-15. Review status: criteria provided, single submitter. Criteria: Invitae Variant Classification Sherloc (09022015). Collection method: clinical testing. Allele origin: germline.
Comment: In summary, the available evidence is currently insufficient to determine the role of this variant in disease. Therefore, it has been classified as a Variant of Uncertain Significance. Algorithms developed to predict the effect of missense changes on protein structure and function are either unavailable or do not agree on the potential impact of this missense change (SIFT: "Deleterious"; PolyPhen-2: "Benign"; Align-GVGD: "Class C0"). This variant has not been reported in the literature in individuals affected with CACNA2D4-related conditions. This variant is not present in population databases (gnomAD no frequency). This sequence change replaces phenylalanine, which is neutral and non-polar, with leucine, which is neutral and non-polar, at codon 772 of the CACNA2D4 protein (p.Phe772Leu).